The following is an entry in ClinVar:

ClinVar aggregate classification (germline): Uncertain significance. Review status: criteria provided, multiple submitters, no conflicts (2 of 4 stars). 2 submissions from 2 submitters: Uncertain significance (2). Last evaluated 2025-06-08.

Conditions:
Inborn genetic diseases. Identifiers: MedGen C0950123, MeSH D030342.

gnomAD v4.1: 9 of 1,211,215 alleles (0.00074%); highest among the groups gnomAD compares: Non-Finnish European, 0.001%; no homozygotes.

Submissions (2):

Ambry Genetics
Classification: Uncertain significance for Inborn genetic diseases. Last evaluated: 2025-06-08. Review status: criteria provided, single submitter. Criteria: Ambry Variant Classification Scheme 2023. Collection method: clinical testing. Allele origin: germline.

Labcorp Genetics (formerly Invitae), Labcorp
Classification: Uncertain significance. Last evaluated: 2022-06-04. Review status: criteria provided, single submitter. Criteria: Invitae Variant Classification Sherloc (09022015). Collection method: clinical testing. Allele origin: germline.
Comment: This sequence change replaces glutamic acid, which is acidic and polar, with aspartic acid, which is acidic and polar, at codon 404 of the CLCN5 protein (p.Glu404Asp). This variant is not present in population databases (gnomAD no frequency). This variant has not been reported in the literature in individuals affected with CLCN5-related conditions. Algorithms developed to predict the effect of missense changes on protein structure and function (SIFT, PolyPhen-2, Align-GVGD) all suggest that this variant is likely to be tolerated. In summary, the available evidence is currently insufficient to determine the role of this variant in disease. Therefore, it has been classified as a Variant of Uncertain Significance.

NM_001127898.4(CLCN5):c.1422G>C (p.Glu474Asp)

Gene: CLCN5 (chloride voltage-gated channel 5; plus strand). Cytogenetic location: Xp11.23.
Variant type: single nucleotide variant.
Coding change: c.1422G>C on transcript NM_001127898.4 (MANE Select); coding-DNA position 1422, G replaced by C.
Protein change: p.Glu474Asp; replaces glutamic acid 474 with aspartic acid.
Molecular consequence: missense variant.
Genome position (GRCh38, 1-based): chrX:50,086,735, G>C. VCF-style: chrX-50086735-G-C. GRCh37 (hg19) VCF-style: chrX-49851392-G-C.
Other names: c.1212G>C (NM_000084.2); c.1212G>C, p.Glu404Asp (NM_000084.5); c.1422G>C, p.Glu474Asp (NM_001127899.4); c.1272G>C, p.Glu424Asp (NM_001282163.2); short protein forms E404D, E424D, E474D.
Identifiers: ClinVar variation 1953479 (VCV001953479.6), dbSNP rs199594074, ClinGen allele CA413186129.